The following is an entry in ClinVar:

ClinVar aggregate classification (germline): Uncertain significance (0 of 4 stars; one submission).

Conditions:
UCP3-related disorder. Also called: UCP3-related condition.

Submission:

PreventionGenetics, part of Exact Sciences
Classification: Uncertain significance for UCP3-related condition. Last evaluated: 2024-08-14. Review status: no assertion criteria provided. Collection method: clinical testing. Allele origin: germline.
Comment: The UCP3 c.763A>T variant is predicted to result in the amino acid substitution p.Ser255Cys. To our knowledge, this variant has not been reported in the literature or in a large population database, indicating this variant is rare. At this time, the clinical significance of this variant is uncertain due to the absence of conclusive functional and genetic evidence.

NM_003356.4(UCP3):c.763A>T (p.Ser255Cys)

Gene: UCP3 (uncoupling protein 3; minus strand). Cytogenetic location: 11q13.4.
Variant type: single nucleotide variant.
Coding change: c.763A>T on transcript NM_003356.4 (MANE Select); coding-DNA position 763, A replaced by T.
Protein change: p.Ser255Cys; replaces serine 255 with cysteine.
Molecular consequence: missense variant.
Genome position (GRCh38, 1-based): chr11:74,003,888, T>A on the plus strand (A>T on the coding strand, the complement: UCP3 is on the minus strand). VCF-style: chr11-74003888-T-A. GRCh37 (hg19) VCF-style: chr11-73714933-T-A.
Other names: c.763A>T, p.Ser255Cys (NM_022803.3); short protein forms S255C.
Identifiers: ClinVar variation 3345507 (VCV003345507.1).